The following is an entry in ClinVar:

ClinVar aggregate classification (germline): Pathogenic (1 of 4 stars; one submission).

Conditions:
Pallister-Hall syndrome (PHS). Also called: GLI3-Related Pallister-Hall Syndrome; HYPOTHALAMIC HAMARTOBLASTOMA, HYPOPITUITARISM, IMPERFORATE ANUS, AND POSTAXIAL POLYDACTYLY. Identifiers: Orphanet 672, MedGen C0265220, MONDO:0007804, OMIM 146510.
Greig cephalopolysyndactyly syndrome (GCPS). Also called: POLYSYNDACTYLY WITH PECULIAR SKULL SHAPE; Greig syndrome; GLI3-Related Greig Cephalopolysyndactyly Syndrome. Identifiers: Orphanet 380, MedGen C0265306, MONDO:0008287, OMIM 175700.

Submission:

Labcorp Genetics (formerly Invitae), Labcorp
Classification: Pathogenic for Pallister-Hall syndrome; Greig cephalopolysyndactyly syndrome. Last evaluated: 2025-12-03. Review status: criteria provided, single submitter. Criteria: Invitae Variant Classification Sherloc (09022015). Collection method: clinical testing. Allele origin: germline.
Comment: This sequence change creates a premature translational stop signal (p.Leu992Cysfs*11) in the GLI3 gene. While this is not anticipated to result in nonsense mediated decay, it is expected to disrupt the last 589 amino acid(s) of the GLI3 protein. This variant is not present in population databases (gnomAD no frequency). This variant has not been reported in the literature in individuals affected with GLI3-related conditions. This variant disrupts a region of the GLI3 protein in which other variant(s) (p.Thr1540Argfs*13) have been determined to be pathogenic (internal data). This suggests that this is a clinically significant region of the protein, and that variants that disrupt it are likely to be disease-causing. For these reasons, this variant has been classified as Pathogenic.

NM_000168.6(GLI3):c.2974del (p.Leu992fs)

Gene: GLI3 (GLI family zinc finger 3; minus strand). Cytogenetic location: 7p14.1.
Variant type: Deletion.
Coding change: c.2974del on transcript NM_000168.6 (MANE Select); coding-DNA position 2974, one base deleted (C; older notation c.2974delC).
Protein change: p.Leu992fs; shifts the reading frame from leucine 992.
Molecular consequence: frameshift variant.
Genome position (GRCh38, 1-based): chr7:41,966,099, G deleted on the plus strand (C on the coding strand, the reverse complement: GLI3 is on the minus strand); the first of 2 consecutive G bases (chr7:41,966,099-41,966,100); deleting either gives the same sequence. VCF-style (leftmost placement, unchanged base first): chr7-41966098-AG-A. GRCh37 (hg19) VCF-style: chr7-42005696-AG-A.
Other names: short protein forms L992fs.
Identifiers: ClinVar variation 4786920 (VCV004786920.1).
Genomic context (GRCh38, chr7:41,966,098, plus strand): 5'-CCTGTCCGCACCGGGTCGCTGGCCCTCCTCACGCCGTGGCCCGGCGCATCGTGCGGCTGC[AG>A]GTGGCGCCGCCCGTAGCCGTGGGCTCCCCCGTCGCTGCACCTCCTCGGGGCATGAACTGG-3'